The following is an entry in ClinVar:

ClinVar aggregate classification (germline): Likely benign (1 of 4 stars; one submission).

Submission:

CeGaT Center for Human Genetics Tuebingen
Classification: Likely benign. Last evaluated: 2026-01-01. Review status: criteria provided, single submitter. Criteria: CeGaT Center For Human Genetics Tuebingen Variant Classification Criteria Version 2. Collection method: clinical testing. Allele origin: germline. Affected: yes. Observed: 1 variant allele.
Comment: COL4A1: PM2:Supporting, BP4, BP7

NM_001845.6(COL4A1):c.3078T>A (p.Gly1026=)

Gene: COL4A1 (collagen type IV alpha 1 chain; minus strand). Cytogenetic location: 13q34.
Variant type: single nucleotide variant.
Coding change: c.3078T>A on transcript NM_001845.6 (MANE Select); coding-DNA position 3078, T replaced by A.
Protein change: p.Gly1026=; no amino-acid change (glycine 1026 retained).
Molecular consequence: synonymous variant.
Genome position (GRCh38, 1-based): chr13:110,175,338, A>T on the plus strand (T>A on the coding strand, the complement: COL4A1 is on the minus strand). VCF-style: chr13-110175338-A-T. GRCh37 (hg19) VCF-style: chr13-110827685-A-T.
Identifiers: ClinVar variation 4822279 (VCV004822279.4).